The following is an entry in ClinVar:

NM_000321.3(RB1):c.977T>C (p.Leu326Pro)

Gene: RB1 (RB transcriptional corepressor 1; plus strand). Cytogenetic location: 13q14.2.
Variant type: single nucleotide variant.
Coding change: c.977T>C on transcript NM_000321.3 (MANE Select); coding-DNA position 977, T replaced by C.
Protein change: p.Leu326Pro; replaces leucine 326 with proline.
Molecular consequence: missense variant.
Genome position (GRCh38, 1-based): chr13:48,367,531, T>C. VCF-style: chr13-48367531-T-C. GRCh37 (hg19) VCF-style: chr13-48941667-T-C.
Other names: c.977T>C, p.Leu326Pro (NM_001407165.1, NM_001407166.1); short protein forms L326P.
Identifiers: ClinVar variation 2131875 (VCV002131875.4), dbSNP rs2138121148, ClinGen allele CA388160694.

ClinVar aggregate classification (germline): Uncertain significance (1 of 4 stars; one submission).

Conditions:
Retinoblastoma (RB1). Also called: RETINOBLASTOMA, SOMATIC. Identifiers: Orphanet 790, MedGen C0035335, MeSH D012175, MONDO:0008380, OMIM 180200, HP:0009919. Disease mechanism: loss of function. Inheritance: Both sporadic and heritable forms are tested..

Submission:

Labcorp Genetics (formerly Invitae), Labcorp
Classification: Uncertain significance for Retinoblastoma. Last evaluated: 2022-05-03. Review status: criteria provided, single submitter. Criteria: Invitae Variant Classification Sherloc (09022015). Collection method: clinical testing. Allele origin: germline.
Comment: In summary, the available evidence is currently insufficient to determine the role of this variant in disease. Therefore, it has been classified as a Variant of Uncertain Significance. Advanced modeling of protein sequence and biophysical properties (such as structural, functional, and spatial information, amino acid conservation, physicochemical variation, residue mobility, and thermodynamic stability) performed at Invitae indicates that this missense variant is expected to disrupt RB1 protein function. This variant has not been reported in the literature in individuals affected with RB1-related conditions. This variant is not present in population databases (gnomAD no frequency). This sequence change replaces leucine, which is neutral and non-polar, with proline, which is neutral and non-polar, at codon 326 of the RB1 protein (p.Leu326Pro).